The following is an entry in ClinVar:

ClinVar aggregate classification (germline): Likely benign (0 of 4 stars; one submission).

Conditions:
SETBP1-related disorder. Also called: SETBP1-related condition; SETBP1-related disorders.

Submission:

PreventionGenetics, part of Exact Sciences
Classification: Likely benign for SETBP1-related condition. Last evaluated: 2020-04-01. Review status: no assertion criteria provided. Collection method: clinical testing. Allele origin: germline.
Comment: This variant is classified as likely benign based on ACMG/AMP sequence variant interpretation guidelines (Richards et al. 2015 PMID: 25741868, with internal and published modifications).

NM_015559.3(SETBP1):c.4593G>C (p.Pro1531=)

Gene: SETBP1 (SET binding protein 1; plus strand). Cytogenetic location: 18q12.3.
Variant type: single nucleotide variant.
Coding change: c.4593G>C on transcript NM_015559.3 (MANE Select); coding-DNA position 4593, G replaced by C.
Protein change: p.Pro1531=; no amino-acid change (proline 1531 retained).
Molecular consequence: synonymous variant.
Genome position (GRCh38, 1-based): chr18:45,063,500, G>C. VCF-style: chr18-45063500-G-C. GRCh37 (hg19) VCF-style: chr18-42643465-G-C.
Other names: c.4593G>C, p.Pro1531= (NM_001379141.1, NM_001379142.1); c.4422G>C, p.Pro1474= (NM_001410862.1).
Identifiers: ClinVar variation 3037266 (VCV003037266.2), dbSNP rs1375119504, ClinGen allele CA503995985.
Genomic context (GRCh38, chr18:45,063,500, plus strand): 5'-GGTCATCCACATGGCCCGGGAGGCGCCGCCCCTGCCCCCGCCACCGCCGCCGCCCCTGCC[G>C]CCACCGCCGCCACCACCCCTGCCCCCGCCACCCCCTCTACCCAAGACCCCCCGAGGCGGA-3'
Protein context (NP_056374.2, residues 1521-1541): PLPPPPPPPL[Pro1531=]PPPPPPLPPP